The following is an entry in ClinVar:

ClinVar aggregate classification (germline): Pathogenic (1 of 4 stars; one submission).

Conditions:
Sulfite oxidase deficiency due to molybdenum cofactor deficiency type C. Also called: Molybdenum cofactor deficiency, complementation group C; Molybdenum cofactor deficiency C. Identifiers: Orphanet 308400, Orphanet 833, MedGen C1854990, MONDO:0014212, OMIM 615501.

Submission:

Labcorp Genetics (formerly Invitae), Labcorp
Classification: Pathogenic for Sulfite oxidase deficiency due to molybdenum cofactor deficiency type C. Last evaluated: 2023-02-09. Review status: criteria provided, single submitter. Criteria: Invitae Variant Classification Sherloc (09022015). Collection method: clinical testing. Allele origin: germline.
Comment: This sequence change creates a premature translational stop signal (p.Glu302*) in the GPHN gene. It is expected to result in an absent or disrupted protein product. Loss-of-function variants in GPHN are known to be pathogenic (PMID: 11095995, 23184456, 23393157). This variant is not present in population databases (gnomAD no frequency). This variant has not been reported in the literature in individuals affected with GPHN-related conditions. For these reasons, this variant has been classified as Pathogenic.

Literature cited by the submitters: PubMed 11095995; PubMed 23184456; PubMed 23393157.

NM_020806.5(GPHN):c.904G>T (p.Glu302Ter)

Gene: GPHN (gephyrin; plus strand). Cytogenetic location: 14q23.3.
Variant type: single nucleotide variant.
Coding change: c.904G>T on transcript NM_020806.5 (MANE Select); coding-DNA position 904, G replaced by T.
Protein change: p.Glu302Ter; replaces glutamic acid 302 with a stop codon.
Molecular consequence: nonsense.
Genome position (GRCh38, 1-based): chr14:66,965,266, G>T. VCF-style: chr14-66965266-G-T. GRCh37 (hg19) VCF-style: chr14-67431983-G-T.
Other names: c.805G>T, p.Glu269Ter (NM_001024218.2, NM_001377515.1, NM_001377516.1 and 2 more transcripts); c.844G>T, p.Glu282Ter (NM_001377514.1, NM_001377519.1); short protein forms E282*, E269*, E302*.
Identifiers: ClinVar variation 2835692 (VCV002835692.3), dbSNP rs2549782519, ClinGen allele CA390257522.